The following is an entry in ClinVar:

ClinVar aggregate classification (germline): Uncertain significance (1 of 4 stars; one submission).

Conditions:
Adult-onset proximal spinal muscular atrophy, autosomal dominant. Also called: Spinal muscular atrophy, late-onset, finkel type; FINKEL LATE-ADULT TYPE SMA. Identifiers: Orphanet 209335, MedGen C1854058, MONDO:0008453, OMIM 182980.
Amyotrophic lateral sclerosis type 8 (ALS8). Identifiers: Orphanet 803, MedGen C1837728, MONDO:0012077, OMIM 608627.

Submission:

Labcorp Genetics (formerly Invitae), Labcorp
Classification: Uncertain significance for Adult-onset proximal spinal muscular atrophy, autosomal dominant; Amyotrophic lateral sclerosis type 8. Last evaluated: 2022-08-10. Review status: criteria provided, single submitter. Criteria: Invitae Variant Classification Sherloc (09022015). Collection method: clinical testing. Allele origin: germline.
Comment: In summary, the available evidence is currently insufficient to determine the role of this variant in disease. Therefore, it has been classified as a Variant of Uncertain Significance. This variant disrupts the p.Pro56 amino acid residue in VAPB. Other variant(s) that disrupt this residue have been determined to be pathogenic (PMID: 15372378, 16187141, 16967488, 24212516, 26566915). This suggests that this residue is clinically significant, and that variants that disrupt this residue are likely to be disease-causing. Algorithms developed to predict the effect of missense changes on protein structure and function are either unavailable or do not agree on the potential impact of this missense change (SIFT: "Not Available"; PolyPhen-2: "Probably Damaging"; Align-GVGD: "Not Available"). This variant has not been reported in the literature in individuals affected with VAPB-related conditions. Information on the frequency of this variant in the gnomAD database is not available, as this variant may be reported differently in the database. This sequence change replaces proline, which is neutral and non-polar, with aspartic acid, which is acidic and polar, at codon 56 of the VAPB protein (p.Pro56Asp).

Literature cited by the submitters: PubMed 15372378; PubMed 16187141; PubMed 16967488; PubMed 24212516; PubMed 26566915.

NM_004738.5(VAPB):c.166_167delinsGA (p.Pro56Asp)

Gene: VAPB (VAMP associated protein B and C; plus strand). Cytogenetic location: 20q13.32.
Variant type: Indel.
Coding change: c.166_167delinsGA on transcript NM_004738.5 (MANE Select); coding-DNA positions 166 to 167, CC replaced by GA.
Protein change: p.Pro56Asp; replaces proline 56 with aspartic acid.
Molecular consequence: missense variant. On other transcripts: non-coding transcript variant (1).
Genome position (GRCh38, 1-based): chr20:58,418,318-58,418,319, CC replaced by GA. VCF-style: chr20-58418318-CC-GA. GRCh37 (hg19) VCF-style: chr20-56993374-CC-GA.
Other names: c.166_167delinsGA, p.Pro56Asp (NM_001195677.2); short protein forms P56D.
Identifiers: ClinVar variation 2023336 (VCV002023336.4), dbSNP rs2516033036, ClinGen allele CA2580098294.